The following is an entry in ClinVar:

NM_152419.3(HGSNAT):c.605C>G (p.Ser202Cys)

Gene: HGSNAT (heparan-alpha-glucosaminide N-acetyltransferase; plus strand). Cytogenetic location: 8p11.21.
Variant type: single nucleotide variant.
Coding change: c.605C>G on transcript NM_152419.3 (MANE Select); coding-DNA position 605, C replaced by G.
Protein change: p.Ser202Cys; replaces serine 202 with cysteine.
Molecular consequence: missense variant. On other transcripts: 5 prime UTR variant (1).
Genome position (GRCh38, 1-based): chr8:43,169,214, C>G. VCF-style: chr8-43169214-C-G. GRCh37 (hg19) VCF-style: chr8-43024357-C-G.
Other names: c.605C>G, p.Ser202Cys (NM_001363227.2, NM_001363228.2); c.-229C>G (NM_001363229.2); short protein forms S202C.
Identifiers: ClinVar variation 1509661 (VCV001509661.6), dbSNP rs1385208624, ClinGen allele CA371115988.

ClinVar aggregate classification (germline): Uncertain significance (1 of 4 stars; one submission).

Conditions:
Mucopolysaccharidosis, MPS-III-C (MPS3C). Also called: SANFILIPPO SYNDROME C; MPS III C; MPS IIIC (Sanfilippo Syndrome Type C); MUCOPOLYSACCHARIDOSIS, TYPE IIIC; Mucopolysaccharidosis type IIIC (Sanfilippo C); mucopolysaccharidosis type 3C. Identifiers: Orphanet 581, Orphanet 79271, MedGen C0086649, MONDO:0009657, OMIM 252930.
Retinitis pigmentosa 73 (RP73). Identifiers: Orphanet 791, MedGen C4225287, MONDO:0014687, OMIM 616544.

Allele frequency attached by ClinVar (database versions not stated): TOPMed below 0.00001.

Submission:

Labcorp Genetics (formerly Invitae), Labcorp
Classification: Uncertain significance for Retinitis pigmentosa 73; Mucopolysaccharidosis, MPS-III-C. Last evaluated: 2022-09-01. Review status: criteria provided, single submitter. Criteria: Invitae Variant Classification Sherloc (09022015). Collection method: clinical testing. Allele origin: germline.
Comment: This sequence change replaces serine, which is neutral and polar, with cysteine, which is neutral and slightly polar, at codon 202 of the HGSNAT protein (p.Ser202Cys). In summary, the available evidence is currently insufficient to determine the role of this variant in disease. Therefore, it has been classified as a Variant of Uncertain Significance. Algorithms developed to predict the effect of missense changes on protein structure and function are either unavailable or do not agree on the potential impact of this missense change (SIFT: "Deleterious"; PolyPhen-2: "Possibly Damaging"; Align-GVGD: "Class C0"). ClinVar contains an entry for this variant (Variation ID: 1509661). This variant has not been reported in the literature in individuals affected with HGSNAT-related conditions. This variant is not present in population databases (gnomAD no frequency).